The following is an entry in ClinVar:

ClinVar aggregate classification (germline): Uncertain significance. Review status: criteria provided, multiple submitters, no conflicts (2 of 4 stars). 2 submissions from 2 submitters: Uncertain significance (2). Last evaluated 2021-11-05.

Conditions:
Primary ciliary dyskinesia. Also called: Ciliary dyskinesia. Identifiers: Orphanet 244, MedGen C0008780, MONDO:0016575, HP:0012265.

Allele frequency attached by ClinVar (database versions not stated): gnomAD 0.00001; ExAC 0.00006.
gnomAD v4.1: 21 of 1,612,362 alleles (0.0013%); highest among the groups gnomAD compares: East Asian, 0.031%; no homozygotes.

Submissions (2):

Ambry Genetics
Classification: Uncertain significance for Primary ciliary dyskinesia. Last evaluated: 2021-11-05. Review status: criteria provided, single submitter. Criteria: Ambry Variant Classification Scheme 2023. Collection method: clinical testing. Allele origin: germline.
Comment: The p.R196Q variant (also known as c.587G>A), located in coding exon 6 of the CCDC114 gene, results from a G to A substitution at nucleotide position 587. The arginine at codon 196 is replaced by glutamine, an amino acid with highly similar properties. This amino acid position is conserved. In addition, this alteration is predicted to be tolerated by in silico analysis. Since supporting evidence is limited at this time, the clinical significance of this alteration remains unclear.

Labcorp Genetics (formerly Invitae), Labcorp
Classification: Uncertain significance for Primary ciliary dyskinesia. Last evaluated: 2021-10-27. Review status: criteria provided, single submitter. Criteria: Invitae Variant Classification Sherloc (09022015). Collection method: clinical testing. Allele origin: germline.
Comment: This sequence change replaces arginine, which is basic and polar, with glutamine, which is neutral and polar, at codon 196 of the CCDC114 protein (p.Arg196Gln). In summary, the available evidence is currently insufficient to determine the role of this variant in disease. Therefore, it has been classified as a Variant of Uncertain Significance. Algorithms developed to predict the effect of sequence changes on RNA splicing suggest that this variant may create or strengthen a splice site. Algorithms developed to predict the effect of missense changes on protein structure and function output the following: SIFT: "Tolerated"; PolyPhen-2: "Benign"; Align-GVGD: "Class C0". The glutamine amino acid residue is found in multiple mammalian species, which suggests that this missense change does not adversely affect protein function. This variant has not been reported in the literature in individuals affected with CCDC114-related conditions. This variant is present in population databases (rs199960441, gnomAD 0.05%).

NM_001364171.2(ODAD1):c.698G>A (p.Arg233Gln)

Gene: ODAD1 (outer dynein arm docking complex subunit 1; minus strand). Cytogenetic location: 19q13.33.
Variant type: single nucleotide variant.
Coding change: c.698G>A on transcript NM_001364171.2 (MANE Select); coding-DNA position 698, G replaced by A.
Protein change: p.Arg233Gln; replaces arginine 233 with glutamine.
Molecular consequence: missense variant.
Genome position (GRCh38, 1-based): chr19:48,304,108, C>T on the plus strand (G>A on the coding strand, the complement: ODAD1 is on the minus strand). VCF-style: chr19-48304108-C-T. GRCh37 (hg19) VCF-style: chr19-48807365-C-T.
Other names: c.587G>A, p.Arg196Gln (NM_144577.4); short protein forms R196Q, R233Q.
Identifiers: ClinVar variation 1682883 (VCV001682883.8), dbSNP rs199960441, ClinGen allele CA9548985.